The following is an entry in ClinVar:

ClinVar aggregate classification (germline): Uncertain significance. Review status: criteria provided, multiple submitters, no conflicts (2 of 4 stars). 2 submissions from 2 submitters: Uncertain significance (2). Last evaluated 2025-04-05.

Conditions:
Early-infantile DEE. Also called: Ohtahara syndrome; Early infantile epileptic encephalopathy; Early infantile epileptic encephalopathy with suppression bursts. Identifiers: Orphanet 1934, MedGen C0393706, MONDO:0800491.
KCNQ2-Related Disorders. Also called: KCNQ2-related disorder; KCNQ2-related condition. Identifiers: MedGen CN169299.

Submissions (2):

PreventionGenetics, part of Exact Sciences
Classification: Uncertain significance for KCNQ2-related condition. Last evaluated: 2025-04-05. Review status: criteria provided, single submitter. Criteria: ACMG Guidelines, 2015. Collection method: clinical testing. Allele origin: germline.
Comment: The KCNQ2 c.891C>G variant is predicted to result in the amino acid substitution p.Phe297Leu. To our knowledge, this variant has not been reported in the literature or in a large population database (gnomAD), indicating this variant is rare. At this time, the clinical significance of this variant is uncertain due to the absence of conclusive functional and genetic evidence.

Labcorp Genetics (formerly Invitae), Labcorp
Classification: Uncertain significance for Early-infantile DEE. Last evaluated: 2023-06-14. Review status: criteria provided, single submitter. Criteria: Invitae Variant Classification Sherloc (09022015). Collection method: clinical testing. Allele origin: germline.
Comment: This sequence change replaces phenylalanine, which is neutral and non-polar, with leucine, which is neutral and non-polar, at codon 297 of the KCNQ2 protein (p.Phe297Leu). This variant is not present in population databases (gnomAD no frequency). This variant has not been reported in the literature in individuals affected with KCNQ2-related conditions. Advanced modeling of protein sequence and biophysical properties (such as structural, functional, and spatial information, amino acid conservation, physicochemical variation, residue mobility, and thermodynamic stability) performed at Invitae indicates that this missense variant is expected to disrupt KCNQ2 protein function. In summary, the available evidence is currently insufficient to determine the role of this variant in disease. Therefore, it has been classified as a Variant of Uncertain Significance.

NM_172107.4(KCNQ2):c.891C>G (p.Phe297Leu)

Gene: KCNQ2 (potassium voltage-gated channel subfamily Q member 2; minus strand). Cytogenetic location: 20q13.33.
Variant type: single nucleotide variant.
Coding change: c.891C>G on transcript NM_172107.4 (MANE Select); coding-DNA position 891, C replaced by G.
Protein change: p.Phe297Leu; replaces phenylalanine 297 with leucine.
Molecular consequence: missense variant.
Genome position (GRCh38, 1-based): chr20:63,439,634, G>C on the plus strand (C>G on the coding strand, the complement: KCNQ2 is on the minus strand). VCF-style: chr20-63439634-G-C. GRCh37 (hg19) VCF-style: chr20-62070987-G-C.
Other names: c.891C>G, p.Phe297Leu (NM_001382235.1, NM_004518.6, NM_172106.3 and 2 more transcripts); c.891C>G (NM_172107.3); short protein forms F297L.
Identifiers: ClinVar variation 2713377 (VCV002713377.4), dbSNP rs1393443124, ClinGen allele CA409652555.
Genomic context (GRCh38, chr20:63,439,634, plus strand): 5'-GCAGGCAGGGGCAGCTGGACTTACTGCAGGCAGCGCGAAGAAGGAGACACCGATGAGGGT[G>C]AAGGTTGCCGCAAGGAGCCTGCCGTTCCAGGTCTGGGGGTACTTGTCCCCGTAGCCAATG-3'
Protein context (NP_742105.1, residues 287-307): TWNGRLLAAT[Phe297Leu]TLIGVSFFAL